The following is an entry in ClinVar:

NM_003482.4(KMT2D):c.6426C>G (p.Phe2142Leu)

Gene: KMT2D (lysine methyltransferase 2D; minus strand). Cytogenetic location: 12q13.12.
Variant type: single nucleotide variant.
Coding change: c.6426C>G on transcript NM_003482.4 (MANE Select); coding-DNA position 6426, C replaced by G.
Protein change: p.Phe2142Leu; replaces phenylalanine 2142 with leucine.
Molecular consequence: missense variant.
Genome position (GRCh38, 1-based): chr12:49,041,344, G>C on the plus strand (C>G on the coding strand, the complement: KMT2D is on the minus strand). VCF-style: chr12-49041344-G-C. GRCh37 (hg19) VCF-style: chr12-49435127-G-C.
Other names: short protein forms F2142L.
Identifiers: ClinVar variation 5000529 (VCV005000529.1).

ClinVar aggregate classification (germline): Uncertain significance (1 of 4 stars; one submission).

Conditions:
KMT2D-related disorder. Also called: KMT2D-Related Disorders.

Submission:

PreventionGenetics, part of Exact Sciences
Classification: Uncertain significance for KMT2D-related condition. Last evaluated: 2024-10-25. Review status: criteria provided, single submitter. Criteria: ACMG Guidelines, 2015. Collection method: clinical testing. Allele origin: germline.
Comment: The KMT2D c.6426C>G variant is predicted to result in the amino acid substitution p.Phe2142Leu. To our knowledge, this variant has not been reported in the literature or in a large population database (gnomAD), indicating this variant is rare. At this time, the clinical significance of this variant is uncertain due to the absence of conclusive functional and genetic evidence.